The following is an entry in ClinVar:

NM_182641.4(BPTF):c.6984G>T (p.Gln2328His)

Gene: BPTF (bromodomain PHD finger transcription factor; plus strand). Cytogenetic location: 17q24.2.
Variant type: single nucleotide variant.
Coding change: c.6984G>T on transcript NM_182641.4 (MANE Select); coding-DNA position 6984, G replaced by T.
Protein change: p.Gln2328His; replaces glutamine 2328 with histidine.
Molecular consequence: missense variant.
Genome position (GRCh38, 1-based): chr17:67,945,692, G>T. VCF-style: chr17-67945692-G-T. GRCh37 (hg19) VCF-style: chr17-65941808-G-T.
Other names: c.7362G>T, p.Gln2454His (NM_004459.7); short protein forms Q2328H, Q2454H.
Identifiers: ClinVar variation 3673534 (VCV003673534.2).
Genomic context (GRCh38, chr17:67,945,692, plus strand): 5'-TGTCCCTTCTGAAGCACAACCCACCCACGCACAGTCATCCAAGCCCCAAGTTGCAGCACA[G>T]TCTCAGCCTCAAAGTAATGTCCAAGGACAGTCTCCTGTTCGTGTCCAAAGTCCATCACAG-3'
Protein context (NP_872579.2, residues 2318-2338): AQSSKPQVAA[Gln2328His]SQPQSNVQGQ

ClinVar aggregate classification (germline): Uncertain significance (1 of 4 stars; one submission).

Submission:

Labcorp Genetics (formerly Invitae), Labcorp
Classification: Uncertain significance. Last evaluated: 2024-03-04. Review status: criteria provided, single submitter. Criteria: Invitae Variant Classification Sherloc (09022015). Collection method: clinical testing. Allele origin: germline.
Comment: This sequence change replaces glutamine, which is neutral and polar, with histidine, which is basic and polar, at codon 2454 of the BPTF protein (p.Gln2454His). This variant is not present in population databases (gnomAD no frequency). This variant has not been reported in the literature in individuals affected with BPTF-related conditions. An algorithm developed to predict the effect of missense changes on protein structure and function (PolyPhen-2) suggests that this variant is likely to be disruptive. In summary, the available evidence is currently insufficient to determine the role of this variant in disease. Therefore, it has been classified as a Variant of Uncertain Significance.